The following is an entry in ClinVar:

ClinVar aggregate classification (germline): Uncertain significance. Review status: criteria provided, multiple submitters, no conflicts (2 of 4 stars). 2 submissions from 2 submitters: Uncertain significance (2). Last evaluated 2023-09-05.

Conditions:
Primary ciliary dyskinesia. Also called: Ciliary dyskinesia. Identifiers: Orphanet 244, MedGen C0008780, MONDO:0016575, HP:0012265.

gnomAD v4.1: 4 of 1,547,824 alleles (0.00026%); highest among the groups gnomAD compares: Non-Finnish European, 0.00035%; no homozygotes.

Submissions (2):

Ambry Genetics
Classification: Uncertain significance for Primary ciliary dyskinesia. Last evaluated: 2023-09-05. Review status: criteria provided, single submitter. Criteria: Ambry Variant Classification Scheme 2023. Collection method: clinical testing. Allele origin: germline.
Comment: The p.R111W variant (also known as c.331C>T), located in coding exon 1 of the DNAAF2 gene, results from a C to T substitution at nucleotide position 331. The arginine at codon 111 is replaced by tryptophan, an amino acid with dissimilar properties. This amino acid position is conserved. In addition, this alteration is predicted to be tolerated by in silico analysis. Since supporting evidence is limited at this time, the clinical significance of this alteration remains unclear.

Labcorp Genetics (formerly Invitae), Labcorp
Classification: Uncertain significance for Primary ciliary dyskinesia. Last evaluated: 2021-11-10. Review status: criteria provided, single submitter. Criteria: Invitae Variant Classification Sherloc (09022015). Collection method: clinical testing. Allele origin: germline.
Comment: In summary, the available evidence is currently insufficient to determine the role of this variant in disease. Therefore, it has been classified as a Variant of Uncertain Significance. Algorithms developed to predict the effect of missense changes on protein structure and function are either unavailable or do not agree on the potential impact of this missense change (SIFT: "Deleterious"; PolyPhen-2: "Benign"; Align-GVGD: "Class C0"). This variant has not been reported in the literature in individuals affected with DNAAF2-related conditions. This variant is not present in population databases (gnomAD no frequency). This sequence change replaces arginine, which is basic and polar, with tryptophan, which is neutral and slightly polar, at codon 111 of the DNAAF2 protein (p.Arg111Trp).

NM_018139.3(DNAAF2):c.331C>T (p.Arg111Trp)

Gene: DNAAF2 (dynein axonemal assembly factor 2; minus strand). Cytogenetic location: 14q21.3.
Variant type: single nucleotide variant.
Coding change: c.331C>T on transcript NM_018139.3 (MANE Select); coding-DNA position 331, C replaced by T.
Protein change: p.Arg111Trp; replaces arginine 111 with tryptophan.
Molecular consequence: missense variant.
Genome position (GRCh38, 1-based): chr14:49,634,819, G>A on the plus strand (C>T on the coding strand, the complement: DNAAF2 is on the minus strand). VCF-style: chr14-49634819-G-A. GRCh37 (hg19) VCF-style: chr14-50101537-G-A.
Other names: c.331C>T, p.Arg111Trp (NM_001083908.2); c.331C>T (NM_018139.2); short protein forms R111W.
Identifiers: ClinVar variation 1478521 (VCV001478521.7), dbSNP rs761666035, ClinGen allele CA389632072.
Genomic context (GRCh38, chr14:49,634,819, plus strand): 5'-ACTCGCGGCCGGGCGCCAGGCTGTAGGGCAGGGACCAGTGGCTGCCAGGAGCTGCGCCCC[G>A]GTCGCCACCGGAGCCGGGCCGGCTGCTGGGCGCGCCCACCAACGCGTTGCTGCAGACATT-3'
Protein context (NP_060609.2, residues 101-121): PSSRPGSGGD[Arg111Trp]GAAPGSHWSL